The following is an entry in ClinVar:

NM_004656.4(BAP1):c.685A>C (p.Asn229His)

Gene: BAP1 (BRCA1 associated deubiquitinase 1; minus strand). Cytogenetic location: 3p21.1.
Variant type: single nucleotide variant.
Coding change: c.685A>C on transcript NM_004656.4 (MANE Select); coding-DNA position 685, A replaced by C.
Protein change: p.Asn229His; replaces asparagine 229 with histidine.
Molecular consequence: missense variant. On other transcripts: intron variant (1).
Genome position (GRCh38, 1-based): chr3:52,406,351, T>G on the plus strand (A>C on the coding strand, the complement: BAP1 is on the minus strand). VCF-style: chr3-52406351-T-G. GRCh37 (hg19) VCF-style: chr3-52440367-T-G.
Other names: c.660-29A>C (NM_001410772.1); short protein forms N229H.
Identifiers: ClinVar variation 4819132 (VCV004819132.1).

ClinVar aggregate classification (germline): Likely pathogenic (1 of 4 stars; one submission).

Conditions:
Kury-Isidor syndrome (KURIS). Identifiers: MedGen C5676925, MONDO:0859230, OMIM 619762.

Submission:

Institute of Human Genetics, University of Leipzig Medical Center
Classification: Likely pathogenic for Kury-Isidor syndrome. Last evaluated: 2026-02-24. Review status: criteria provided, single submitter. Criteria: ACMG Guidelines, 2015. Collection method: clinical testing. Allele origin: de novo. Inheritance: Autosomal dominant inheritance. Affected: yes.
Comment: Criteria applied: PM2,PM5,PP2,PS2